The following is an entry in ClinVar:

ClinVar aggregate classification (germline): Uncertain significance (1 of 4 stars; one submission).

Conditions:
PLXNA2-related disorder. Also called: PLXNA2-related condition.

Submission:

PreventionGenetics, part of Exact Sciences
Classification: Uncertain significance for PLXNA2-related condition. Last evaluated: 2025-08-24. Review status: criteria provided, single submitter. Criteria: ACMG Guidelines, 2015. Collection method: clinical testing. Allele origin: germline.
Comment: The PLXNA2 c.845G>T variant is predicted to result in the amino acid substitution p.Arg282Leu. To our knowledge, this variant has not been reported in the literature or in a large population database (gnomAD), indicating this variant is rare. At this time, the clinical significance of this variant is uncertain due to the absence of conclusive functional and genetic evidence.

NM_025179.4(PLXNA2):c.845G>T (p.Arg282Leu)

Gene: PLXNA2 (plexin A2; minus strand). Cytogenetic location: 1q32.2.
Variant type: single nucleotide variant.
Coding change: c.845G>T on transcript NM_025179.4 (MANE Select); coding-DNA position 845, G replaced by T.
Protein change: p.Arg282Leu; replaces arginine 282 with leucine.
Molecular consequence: missense variant.
Genome position (GRCh38, 1-based): chr1:208,217,078, C>A on the plus strand (G>T on the coding strand, the complement: PLXNA2 is on the minus strand). VCF-style: chr1-208217078-C-A. GRCh37 (hg19) VCF-style: chr1-208390423-C-A.
Other names: short protein forms R282L.
Identifiers: ClinVar variation 4994197 (VCV004994197.1).